The following is an entry in ClinVar:

NM_033419.5(PGAP3):c.43dup (p.Ala15fs)

Gene: PGAP3 (post-GPI attachment to proteins phospholipase 3; minus strand). Cytogenetic location: 17q12.
Variant type: Duplication.
Coding change: c.43dup on transcript NM_033419.5 (MANE Select); coding-DNA position 43, one base duplicated (G; older notation c.43dupG).
Protein change: p.Ala15fs; shifts the reading frame from alanine 15.
Molecular consequence: frameshift variant.
Genome position (GRCh38, 1-based): chr17:39,687,972, C duplicated on the plus strand (G on the coding strand, the reverse complement: PGAP3 is on the minus strand). VCF-style (leftmost placement, unchanged base first): chr17-39687971-G-GC. GRCh37 (hg19) VCF-style: chr17-37844224-G-GC.
Other names: c.43dup, p.Ala15fs (NM_001291726.2, NM_001291728.2, NM_001291730.2 and 2 more transcripts); c.43dupG (NM_033419.5); short protein forms A15fs.
Identifiers: ClinVar variation 3068561 (VCV003068561.1), dbSNP rs765928877, ClinGen allele CA8533496.
Genomic context (GRCh38, chr17:39,687,971, plus strand): 5'-TGCAGTACGCAGTCGCGGTACACCGGCTCACGGTCGCCCTGGGAGCCGCTCGCCAGCGCC[G>GC]CTGCCCCAGCTAGCAGGACCAACCGCGCCGCCAGGCCGGCCATCCTTTCTCCCTGGCTCG-3'

ClinVar aggregate classification (germline): Likely pathogenic (1 of 4 stars; one submission).

Conditions:
Hyperphosphatasia-intellectual disability syndrome. Identifiers: Orphanet 247262, MedGen C1855923, MONDO:0016596.

Submission:

Molecular Genetics, Royal Melbourne Hospital
Classification: Likely pathogenic for Hyperphosphatasia-intellectual disability syndrome. Last evaluated: 2023-08-01. Review status: criteria provided, single submitter. Criteria: ACMG Guidelines, 2015. Collection method: clinical testing. Allele origin: germline. Inheritance: Autosomal recessive inheritance. Affected: yes.
Comment: This sequence change in PGAP3 is a frameshift variant that may cause a premature stop codon, p.(Ala15Glyfs*12), that is located in a nonsense-mediated decay insensitive region (first 100 bp) predicted to reduce nonsense-mediated decay efficiency (PMID: 27618451). However, it is a truncation of a functionally important region (signal peptide) in a gene where loss of function is an established disease mechanism. This variant is absent from the population database gnomAD v2.1 and v3.1. To our knowledge, this variant is novel and has not been previously reported in the relevant scientific literature or databases. At least one patient with this variant displayed increased Alkaline phosphatase levels (Royal Melbourne Hospital), which is highly specific for hyperphosphatasia-intellectual disability syndrome (PMID: 30217754, 30345601). Based on the classification scheme RMH Modified ACMG/AMP Guidelines v1.6.1, this variant is classified as LIKELY PATHOGENIC. Following criteria are met: PVS1_Strong, PM2_Supporting, PP4.

Literature cited by the submitters: PubMed 27618451; PubMed 30217754; PubMed 30345601.